The following is an entry in ClinVar:

NM_025132.4(WDR19):c.3993C>G (p.Asp1331Glu)

Gene: WDR19 (WD repeat domain 19; plus strand). Cytogenetic location: 4p14.
Variant type: single nucleotide variant.
Coding change: c.3993C>G on transcript NM_025132.4 (MANE Select); coding-DNA position 3993, C replaced by G.
Protein change: p.Asp1331Glu; replaces aspartic acid 1331 with glutamic acid.
Molecular consequence: missense variant.
Genome position (GRCh38, 1-based): chr4:39,278,614, C>G. VCF-style: chr4-39278614-C-G. GRCh37 (hg19) VCF-style: chr4-39280234-C-G.
Other names: c.3513C>G, p.Asp1171Glu (NM_001317924.2); short protein forms D1171E, D1331E.
Identifiers: ClinVar variation 1503442 (VCV001503442.5), dbSNP rs778745769, ClinGen allele CA2892546.

ClinVar aggregate classification (germline): Uncertain significance. Review status: criteria provided, multiple submitters, no conflicts (2 of 4 stars). 2 submissions from 2 submitters: Uncertain significance (2). Last evaluated 2024-05-14.

Conditions:
Asphyxiating thoracic dystrophy 5 (SRTD5). Also called: SHORT-RIB THORACIC DYSPLASIA 5 WITH OR WITHOUT POLYDACTYLY; SHORT-RIB THORACIC DYSPLASIA 5 WITHOUT POLYDACTYLY. Identifiers: Orphanet 474, MedGen C3280598, MONDO:0013717, OMIM 614376.
Senior-Loken syndrome 8 (SLSN8). Identifiers: Orphanet 3156, MedGen C4225376, MONDO:0014579, OMIM 616307.

Allele frequency attached by ClinVar (database versions not stated): gnomAD exomes below 0.00001 and 0.00001; TOPMed 0.00001; ExAC 0.00002.
gnomAD v4.1: 2 of 1,613,654 alleles (0.00012%); highest among the groups gnomAD compares: Admixed American, 0.0033%; no homozygotes.

Submissions (2):

Blueprint Genetics
Classification: Uncertain significance. Last evaluated: 2024-05-14. Review status: criteria provided, single submitter. Criteria: ACMG Guidelines, 2015. Collection method: clinical testing. Allele origin: germline.

Labcorp Genetics (formerly Invitae), Labcorp
Classification: Uncertain significance for Senior-Loken syndrome 8; Asphyxiating thoracic dystrophy 5. Last evaluated: 2022-07-19. Review status: criteria provided, single submitter. Criteria: Invitae Variant Classification Sherloc (09022015). Collection method: clinical testing. Allele origin: germline.
Comment: This variant is present in population databases (rs778745769, gnomAD 0.006%). In summary, the available evidence is currently insufficient to determine the role of this variant in disease. Therefore, it has been classified as a Variant of Uncertain Significance. Algorithms developed to predict the effect of missense changes on protein structure and function are either unavailable or do not agree on the potential impact of this missense change (SIFT: "Deleterious"; PolyPhen-2: "Benign"; Align-GVGD: "Class C0"). ClinVar contains an entry for this variant (Variation ID: 1503442). This variant has not been reported in the literature in individuals affected with WDR19-related conditions. This sequence change replaces aspartic acid, which is acidic and polar, with glutamic acid, which is acidic and polar, at codon 1331 of the WDR19 protein (p.Asp1331Glu).